The following is an entry in ClinVar:

ClinVar aggregate classification (germline): Uncertain significance (1 of 4 stars; one submission).

Conditions:
Familial cold autoinflammatory syndrome 3 (FCAS3). Also called: FAMILIAL ATYPICAL COLD URTICARIA; ANTIBODY DEFICIENCY AND IMMUNE DYSREGULATION, PLCG2-ASSOCIATED. Identifiers: Orphanet 300359, MedGen C3280914, MONDO:0013766, OMIM 614468.

Allele frequency attached by ClinVar (database versions not stated): ExAC 0.00001; gnomAD exomes 0.00001 and 0.00002; TOPMed 0.00001.
gnomAD v4.1: 11 of 1,613,078 alleles (0.00068%); highest among the groups gnomAD compares: Admixed American, 0.005%; no homozygotes.

Submission:

Labcorp Genetics (formerly Invitae), Labcorp
Classification: Uncertain significance for Familial cold autoinflammatory syndrome 3. Last evaluated: 2024-10-08. Review status: criteria provided, single submitter. Criteria: Invitae Variant Classification Sherloc (09022015). Collection method: clinical testing. Allele origin: germline.
Comment: This sequence change replaces tyrosine, which is neutral and polar, with cysteine, which is neutral and slightly polar, at codon 648 of the PLCG2 protein (p.Tyr648Cys). This variant is present in population databases (rs766742207, gnomAD 0.009%). This variant has not been reported in the literature in individuals affected with PLCG2-related conditions. ClinVar contains an entry for this variant (Variation ID: 1402750). An algorithm developed to predict the effect of missense changes on protein structure and function (PolyPhen-2) suggests that this variant is likely to be tolerated. In summary, the available evidence is currently insufficient to determine the role of this variant in disease. Therefore, it has been classified as a Variant of Uncertain Significance.

NM_002661.5(PLCG2):c.1943A>G (p.Tyr648Cys)

Gene: PLCG2 (phospholipase C gamma 2; plus strand). Cytogenetic location: 16q23.3.
Variant type: single nucleotide variant.
Coding change: c.1943A>G on transcript NM_002661.5 (MANE Select); coding-DNA position 1943, A replaced by G.
Protein change: p.Tyr648Cys; replaces tyrosine 648 with cysteine.
Molecular consequence: missense variant.
Genome position (GRCh38, 1-based): chr16:81,912,605, A>G. VCF-style: chr16-81912605-A-G. GRCh37 (hg19) VCF-style: chr16-81946210-A-G.
Other names: short protein forms Y648C.
Identifiers: ClinVar variation 1402750 (VCV001402750.8), dbSNP rs766742207, ClinGen allele CA8194023.